The following is an entry in ClinVar:

NM_006231.4(POLE):c.1809T>G (p.Ile603Met)

Gene: POLE (DNA polymerase epsilon, catalytic subunit; minus strand). Cytogenetic location: 12q24.33.
Variant type: single nucleotide variant.
Coding change: c.1809T>G on transcript NM_006231.4 (MANE Select); coding-DNA position 1809, T replaced by G.
Protein change: p.Ile603Met; replaces isoleucine 603 with methionine.
Molecular consequence: missense variant.
Genome position (GRCh38, 1-based): chr12:132,668,925, A>C on the plus strand (T>G on the coding strand, the complement: POLE is on the minus strand). VCF-style: chr12-132668925-A-C. GRCh37 (hg19) VCF-style: chr12-133245511-A-C.
Other names: short protein forms I603M.
Identifiers: ClinVar variation 2496852 (VCV002496852.5), dbSNP rs2042862327, ClinGen allele CA387355617.
Genomic context (GRCh38, chr12:132,668,925, plus strand): 5'-GTAGATGAGTGGACACTCGATGCGGCTGGGAACGTCCTTCAGGGAGGCAAGCTTGCTCTT[A>C]ATCTCATCACACACCTGCAGAGAAAGCGAAACTCAGTAGAGGCTGGTGACCAAGCTTGCC-3'
Protein context (NP_006222.2, residues 593-613): VTNFEEVCDE[Ile603Met]KSKLASLKDV

ClinVar aggregate classification (germline): Uncertain significance. Review status: criteria provided, multiple submitters, no conflicts (2 of 4 stars). 2 submissions from 2 submitters: Uncertain significance (2). Last evaluated 2023-03-10.

Conditions:
Hereditary cancer-predisposing syndrome. Also called: Neoplastic Syndromes, Hereditary; Hereditary neoplastic syndrome; Tumor predisposition; Hereditary Cancer Syndrome. Identifiers: Orphanet 140162, MedGen C0027672, MeSH D009386, MONDO:0015356.

Submissions (2):

Ambry Genetics
Classification: Uncertain significance for Hereditary cancer-predisposing syndrome. Last evaluated: 2023-03-10. Review status: criteria provided, single submitter. Criteria: Ambry Variant Classification Scheme 2023. Collection method: clinical testing. Allele origin: germline.
Comment: The p.I603M variant (also known as c.1809T>G), located in coding exon 17 of the POLE gene, results from a T to G substitution at nucleotide position 1809. The isoleucine at codon 603 is replaced by methionine, an amino acid with highly similar properties. This amino acid position is conserved. In addition, the in silico prediction for this alteration is inconclusive. Since supporting evidence is limited at this time, the clinical significance of this alteration remains unclear.

Labcorp Genetics (formerly Invitae), Labcorp
Classification: Uncertain significance. Last evaluated: 2023-01-16. Review status: criteria provided, single submitter. Criteria: Invitae Variant Classification Sherloc (09022015). Collection method: clinical testing. Allele origin: germline.
Comment: This variant is not present in population databases (gnomAD no frequency). In summary, the available evidence is currently insufficient to determine the role of this variant in disease. Therefore, it has been classified as a Variant of Uncertain Significance. Advanced modeling of protein sequence and biophysical properties (such as structural, functional, and spatial information, amino acid conservation, physicochemical variation, residue mobility, and thermodynamic stability) has been performed at Invitae for this missense variant, however the output from this modeling did not meet the statistical confidence thresholds required to predict the impact of this variant on POLE protein function. This variant has not been reported in the literature in individuals affected with POLE-related conditions. This sequence change replaces isoleucine, which is neutral and non-polar, with methionine, which is neutral and non-polar, at codon 603 of the POLE protein (p.Ile603Met).